The following is an entry in ClinVar:

ClinVar aggregate classification (germline): Benign/Likely benign. Review status: criteria provided, multiple submitters, no conflicts (2 of 4 stars). 2 submissions from 2 submitters: Benign (1); Likely benign (1). Last evaluated 2024-03-29.

Conditions:
Epilepsy, X-linked 2, with or without impaired intellectual development and dysmorphic features (EPILX2). Identifiers: MedGen C5774178, MONDO:0859564, OMIM 301091.

Allele frequency attached by ClinVar (database versions not stated): ExAC 0.00001; gnomAD 0.00005; gnomAD exomes 0.00005; TOPMed 0.00008.
gnomAD v4.1: 56 of 1,209,507 alleles (0.0046%); highest among the groups gnomAD compares: South Asian, 0.025%; no homozygotes.

Submissions (2):

Genomic Medicine Center of Excellence, King Faisal Specialist Hospital and Research Centre
Classification: Benign for Epilepsy, X-linked 2, with or without impaired intellectual development and dysmorphic features. Last evaluated: 2024-03-29. Review status: criteria provided, single submitter. Criteria: ACMG Guidelines, 2015. Collection method: clinical testing. Allele origin: germline.

CeGaT Center for Human Genetics Tuebingen
Classification: Likely benign. Last evaluated: 2023-11-01. Review status: criteria provided, single submitter. Criteria: CeGaT Center For Human Genetics Tuebingen Variant Classification Criteria Version 2. Collection method: clinical testing. Allele origin: germline. Affected: yes. Observed: 1 variant allele.
Comment: GABRA3: BP4

NM_000808.4(GABRA3):c.1258G>A (p.Ala420Thr)

Gene: GABRA3 (gamma-aminobutyric acid type A receptor subunit alpha3; minus strand). Cytogenetic location: Xq28.
Variant type: single nucleotide variant.
Coding change: c.1258G>A on transcript NM_000808.4 (MANE Select); coding-DNA position 1258, G replaced by A.
Protein change: p.Ala420Thr; replaces alanine 420 with threonine.
Molecular consequence: missense variant.
Genome position (GRCh38, 1-based): chrX:152,168,449, C>T on the plus strand (G>A on the coding strand, the complement: GABRA3 is on the minus strand). VCF-style: chrX-152168449-C-T. GRCh37 (hg19) VCF-style: chrX-151336921-C-T.
Other names: short protein forms A420T.
Identifiers: ClinVar variation 2673264 (VCV002673264.24), dbSNP rs202150301, ClinGen allele CA10543049.
Genomic context (GRCh38, chrX:152,168,449, plus strand): 5'-GCACGTAGGTGGCCTTGGGTGAAGCAATGATTGTTGGGGTTGAGGAGGCACTGGGAGCAG[C>T]GCCCTTGGAGATGGTGGAAAATTCAGTGTCCTTGGCCAGGTTGATGGGATAGGTGGTCCC-3'
Protein context (NP_000799.1, residues 410-430): DTEFSTISKG[Ala420Thr]APSASSTPTI